The following is an entry in ClinVar:

NM_020366.4(RPGRIP1):c.1920C>T (p.Ala640=)

Gene: RPGRIP1 (RPGR interacting protein 1; plus strand). Cytogenetic location: 14q11.2.
Variant type: single nucleotide variant.
Coding change: c.1920C>T on transcript NM_020366.4 (MANE Select); coding-DNA position 1920, C replaced by T.
Protein change: p.Ala640=; no amino-acid change (alanine 640 retained).
Molecular consequence: synonymous variant. On other transcripts: intron variant (4).
Genome position (GRCh38, 1-based): chr14:21,324,775, C>T. VCF-style: chr14-21324775-C-T. GRCh37 (hg19) VCF-style: chr14-21792934-C-T.
Other names: c.846C>T, p.Ala282= (NM_001377948.1); c.796+50C>T (NM_001377949.1); c.688+2771C>T (NM_001377523.1, NM_001377950.1); c.190+2771C>T (NM_001377951.1).
Identifiers: ClinVar variation 261226 (VCV000261226.44), dbSNP rs368434311, ClinGen allele CA7089121.

ClinVar aggregate classification (germline): Conflicting classifications of pathogenicity. Review status: criteria provided, conflicting classifications (1 of 4 stars). 8 submissions from 6 submitters: Uncertain significance (2); Likely benign (6). Last evaluated 2026-01-13.

Conditions:
Cone-rod dystrophy 13 (CORD13). Identifiers: Orphanet 1872, MedGen C2750720, MONDO:0011987, OMIM 608194.
Leber congenital amaurosis 6 (LCA6). Identifiers: Orphanet 65, MedGen C1854260, MONDO:0013446, OMIM 613826.

Allele frequency attached by ClinVar (database versions not stated): 1000 Genomes Project 30x 0.00016; 1000 Genomes Project 0.00020; gnomAD 0.00028 and 0.00029; gnomAD exomes 0.00030 and 0.00056; ESP Exome Variant Server 0.00032; TOPMed 0.00034; ExAC 0.00035.
gnomAD v4.1: 892 of 1,614,046 alleles (0.055%); highest among the groups gnomAD compares: Non-Finnish European, 0.068%; 1 homozygote.

Submissions (8):

Labcorp Genetics (formerly Invitae), Labcorp
Classification: Likely benign for Leber congenital amaurosis 6; Cone-rod dystrophy 13. Last evaluated: 2026-01-13. Review status: criteria provided, single submitter. Criteria: Invitae Variant Classification Sherloc (09022015). Collection method: clinical testing. Allele origin: germline.

Blueprint Genetics
Classification: Likely benign. Last evaluated: 2024-10-21. Review status: criteria provided, single submitter. Criteria: ACMG Guidelines, 2015. Collection method: clinical testing. Allele origin: germline.

CeGaT Center for Human Genetics Tuebingen
Classification: Likely benign. Last evaluated: 2023-07-01. Review status: criteria provided, single submitter. Criteria: CeGaT Center For Human Genetics Tuebingen Variant Classification Criteria Version 2. Collection method: clinical testing. Allele origin: germline. Affected: yes. Observed: 1 variant allele.
Comment: RPGRIP1: BP4, BP7

Genome-Nilou Lab
Classification: Likely benign for Leber congenital amaurosis 6. Last evaluated: 2021-11-07. Review status: criteria provided, single submitter. Criteria: ACMG Guidelines, 2015. Collection method: clinical testing. Allele origin: germline. Affected: no.

Genome-Nilou Lab
Classification: Likely benign for Cone-rod dystrophy 13. Last evaluated: 2021-11-07. Review status: criteria provided, single submitter. Criteria: ACMG Guidelines, 2015. Collection method: clinical testing. Allele origin: germline. Affected: no.

Illumina Laboratory Services, Illumina
Classification: Uncertain significance for Leber congenital amaurosis 6. Last evaluated: 2018-01-13. Review status: criteria provided, single submitter. Criteria: ICSL Variant Classification Criteria 13 December 2019. Collection method: clinical testing. Allele origin: germline.

Illumina Laboratory Services, Illumina
Classification: Uncertain significance for Cone-rod dystrophy 13. Last evaluated: 2018-01-13. Review status: criteria provided, single submitter. Criteria: ICSL Variant Classification Criteria 13 December 2019. Collection method: clinical testing. Allele origin: germline.

PreventionGenetics, part of Exact Sciences
Classification: Likely benign. Review status: criteria provided, single submitter. Criteria: ACMG Guidelines, 2015. Collection method: clinical testing. Allele origin: germline.